The following is an entry in ClinVar:

NM_001110556.2(FLNA):c.3931G>A (p.Asp1311Asn)

Gene: FLNA (filamin A; minus strand). Cytogenetic location: Xq28.
Variant type: single nucleotide variant.
Coding change: c.3931G>A on transcript NM_001110556.2 (MANE Select); coding-DNA position 3931, G replaced by A.
Protein change: p.Asp1311Asn; replaces aspartic acid 1311 with asparagine.
Molecular consequence: missense variant.
Genome position (GRCh38, 1-based): chrX:154,359,780, C>T on the plus strand (G>A on the coding strand, the complement: FLNA is on the minus strand). VCF-style: chrX-154359780-C-T. GRCh37 (hg19) VCF-style: chrX-153588148-C-T.
Other names: c.3931G>A, p.Asp1311Asn (NM_001456.4); short protein forms D1311N.
Identifiers: ClinVar variation 4871437 (VCV004871437.1).

ClinVar aggregate classification (germline): Uncertain significance (1 of 4 stars; one submission).

Conditions:
Familial thoracic aortic aneurysm and aortic dissection (TAAD). Also called: Thoracic aortic aneurysms and dissections. Identifiers: Orphanet 91387, MedGen C4707243, MONDO:0019625.

gnomAD v4.1: 1 of 1,211,016 alleles (0.000083%); highest among the groups gnomAD compares: Non-Finnish European, 0.00011%; no homozygotes.

Submission:

Ambry Genetics
Classification: Uncertain significance for Familial thoracic aortic aneurysm and aortic dissection. Last evaluated: 2026-05-03. Review status: criteria provided, single submitter. Criteria: Ambry Variant Classification Scheme 2023. Collection method: clinical testing. Allele origin: germline.
Comment: The p.D1311N variant (also known as c.3931G>A), located in coding exon 22 of the FLNA gene, results from a G to A substitution at nucleotide position 3931. The aspartic acid at codon 1311 is replaced by asparagine, an amino acid with highly similar properties. This amino acid position is conserved. In addition, this alteration is predicted to be tolerated by in silico analysis. Based on the available evidence, the clinical significance of this variant remains unclear.